The following is an entry in ClinVar:

NM_001256071.3(RNF213):c.10185-1G>A

Gene: RNF213 (ring finger protein 213; plus strand). Cytogenetic location: 17q25.3.
Variant type: single nucleotide variant.
Coding change: c.10185-1G>A on transcript NM_001256071.3 (MANE Select); the canonical splice acceptor site of the intron before coding-DNA position 10185, G replaced by A.
Molecular consequence: splice acceptor variant.
Genome position (GRCh38, 1-based): chr17:80,351,684, G>A. VCF-style: chr17-80351684-G-A. GRCh37 (hg19) VCF-style: chr17-78325484-G-A.
Other names: c.10332-1G>A (NM_020914.5, NM_001410195.1).
Identifiers: ClinVar variation 4813404 (VCV004813404.1).
Genomic context (GRCh38, chr17:80,351,684, plus strand): 5'-GCTTGTTTTTGTGTGTGTGTTTGTTTTTAAAATAGGTATTCTTTTTTTTTTCTTTAAATA[G>A]GTATTCTGTTATAAATGAAATCAACAAAATACGAGAAAATGAGGACCGTATCTTCGTCTA-3'

ClinVar aggregate classification (germline): Uncertain significance (1 of 4 stars; one submission).

gnomAD v4.1: 2 of 1,415,788 alleles (0.00014%); highest among the groups gnomAD compares: Non-Finnish European, 0.0002%; no homozygotes.

Submission:

GeneDx
Classification: Uncertain significance. Last evaluated: 2025-09-16. Review status: criteria provided, single submitter. Criteria: GeneDx Variant Classification Process June 2021. Collection method: clinical testing. Allele origin: germline. Affected: yes.
Comment: Not observed at significant frequency in large population cohorts (gnomAD); Canonical splice site variant in a gene or region of a gene for which loss of function is not a well-established mechanism of disease; Has not been previously published as pathogenic or benign to our knowledge